The following is an entry in ClinVar:

NM_000093.5(COL5A1):c.*1642G>A

Genes: COL5A1 (collagen type V alpha 1 chain; plus strand), LOC101448202 (uncharacterized LOC101448202; minus strand). Cytogenetic location: 9q34.3.
Variant type: single nucleotide variant.
Coding change: c.*1642G>A on transcript NM_000093.5 (MANE Select); 1642 bases downstream of the stop codon, G replaced by A.
Molecular consequence: 3 prime UTR variant.
Genome position (GRCh38, 1-based): chr9:134,843,945, G>A. VCF-style: chr9-134843945-G-A. GRCh37 (hg19) VCF-style: chr9-137735791-G-A.
Other names: c.*1642G>A (NM_001278074.1).
Identifiers: ClinVar variation 365775 (VCV000365775.8), dbSNP rs116053626, ClinGen allele CA10632933.

ClinVar aggregate classification (germline): Benign/Likely benign. Review status: criteria provided, multiple submitters, no conflicts (2 of 4 stars). 2 submissions from 2 submitters: Benign (1); Likely benign (1). Last evaluated 2018-01-13.

Conditions:
Ehlers-Danlos syndrome, classic type (cEDS). Identifiers: Orphanet 287, MedGen C4225429, MONDO:0007522.

Allele frequency attached by ClinVar (database versions not stated): 1000 Genomes Project 0.02057; gnomAD 0.02188 and 0.02360; 1000 Genomes Project 30x 0.02327; TOPMed 0.02481.

Submissions (2):

Illumina Laboratory Services, Illumina
Classification: Benign for Ehlers-Danlos syndrome, classic type, 1. Last evaluated: 2018-01-13. Review status: criteria provided, single submitter. Criteria: ICSL Variant Classification Criteria 13 December 2019. Collection method: clinical testing. Allele origin: germline.
Comment: This variant was observed in the ICSL laboratory as part of a predisposition screen in an ostensibly healthy population. It had not been previously curated by ICSL or reported in the Human Gene Mutation Database (HGMD: prior to June 1st, 2018), and was therefore a candidate for classification through an automated scoring system. Utilizing variant allele frequency, disease prevalence and penetrance estimates, and inheritance mode, an automated score was calculated to assess if this variant is too frequent to cause the disease. Based on the score and internal cut-off values, a variant classified as benign is not then subjected to further curation. The score for this variant resulted in a classification of benign for this disease.

Breakthrough Genomics
Classification: Likely benign. Review status: criteria provided, single submitter. Criteria: ACMG Guidelines, 2015. Collection method: not provided. Allele origin: germline. Inheritance: Autosomal dominant inheritance. Affected: yes.